The following is an entry in ClinVar:

NM_004963.4(GUCY2C):c.289A>G (p.Ser97Gly)

Genes: GUCY2C (guanylate cyclase 2C; minus strand), GUCY2C-AS1 (GUCY2C antisense RNA 1; plus strand). Cytogenetic location: 12p12.3.
Variant type: single nucleotide variant.
Coding change: c.289A>G on transcript NM_004963.4 (MANE Select); coding-DNA position 289, A replaced by G.
Protein change: p.Ser97Gly; replaces serine 97 with glycine.
Molecular consequence: missense variant.
Genome position (GRCh38, 1-based): chr12:14,687,992, T>C on the plus strand (A>G on the coding strand, the complement: GUCY2C is on the minus strand). VCF-style: chr12-14687992-T-C. GRCh37 (hg19) VCF-style: chr12-14840926-T-C.
Other names: short protein forms S97G.
Identifiers: ClinVar variation 2848269 (VCV002848269.3), dbSNP rs777146826, ClinGen allele CA6463790.
Genomic context (GRCh38, chr12:14,687,992, plus strand): 5'-CACAAAAGCAAATACTTACTGAAATTTTCCTGAGTAGGTCGAGGCCTTCACAGGTGCTAC[T>C]CCGGCAGTCGCCTGAGTTATGAATCAGACCATCCGAATACATGAAAGTAGCGTTCACAGT-3'
Protein context (NP_004954.2, residues 87-107): GLIHNSGDCR[Ser97Gly]STCEGLDLLR

ClinVar aggregate classification (germline): Uncertain significance (1 of 4 stars; one submission).

Allele frequency attached by ClinVar (database versions not stated): TOPMed below 0.00001; ExAC 0.00001; gnomAD 0.00001.
gnomAD v4.1: 1 of 1,613,758 alleles (0.000062%); highest among the groups gnomAD compares: East Asian, 0.0022%; no homozygotes.

Submission:

Labcorp Genetics (formerly Invitae), Labcorp
Classification: Uncertain significance. Last evaluated: 2023-10-08. Review status: criteria provided, single submitter. Criteria: Invitae Variant Classification Sherloc (09022015). Collection method: clinical testing. Allele origin: germline.
Comment: This sequence change replaces serine, which is neutral and polar, with glycine, which is neutral and non-polar, at codon 97 of the GUCY2C protein (p.Ser97Gly). This variant is present in population databases (rs777146826, gnomAD 0.006%). This variant has not been reported in the literature in individuals affected with GUCY2C-related conditions. Advanced modeling of protein sequence and biophysical properties (such as structural, functional, and spatial information, amino acid conservation, physicochemical variation, residue mobility, and thermodynamic stability) performed at Invitae indicates that this missense variant is not expected to disrupt GUCY2C protein function. In summary, the available evidence is currently insufficient to determine the role of this variant in disease. Therefore, it has been classified as a Variant of Uncertain Significance.